The following is an entry in ClinVar:

NM_052813.5(CARD9):c.1114G>A (p.Ala372Thr)

Gene: CARD9 (caspase recruitment domain family member 9; minus strand). Cytogenetic location: 9q34.3.
Variant type: single nucleotide variant.
Coding change: c.1114G>A on transcript NM_052813.5 (MANE Select); coding-DNA position 1114, G replaced by A.
Protein change: p.Ala372Thr; replaces alanine 372 with threonine.
Molecular consequence: missense variant.
Genome position (GRCh38, 1-based): chr9:136,367,792, C>T on the plus strand (G>A on the coding strand, the complement: CARD9 is on the minus strand). VCF-style: chr9-136367792-C-T. GRCh37 (hg19) VCF-style: chr9-139262244-C-T.
Other names: c.1114G>A, p.Ala372Thr (NM_052814.4); short protein forms A372T.
Identifiers: ClinVar variation 572565 (VCV000572565.9), dbSNP rs145574224, ClinGen allele CA5332824.

ClinVar aggregate classification (germline): Uncertain significance. Review status: criteria provided, multiple submitters, no conflicts (2 of 4 stars). 2 submissions from 2 submitters: Uncertain significance (2). Last evaluated 2025-01-06.

Conditions:
Predisposition to invasive fungal disease due to CARD9 deficiency (IMD103). Also called: CARD9 IMMUNODEFICIENCY; IMMUNODEFICIENCY 103, SUSCEPTIBILITY TO FUNGAL INFECTIONS; Candidiasis, familial, 2, autosomal recessive. Identifiers: Orphanet 457088, MedGen C1859353, MONDO:0008905, OMIM 212050.

Allele frequency attached by ClinVar (database versions not stated): gnomAD exomes 0.00007; ExAC 0.00008; gnomAD 0.00018 and 0.00022; TOPMed 0.00021; ESP Exome Variant Server 0.00023.
gnomAD v4.1: 208 of 1,602,596 alleles (0.013%); highest among the groups gnomAD compares: African/African-American, 0.043%; no homozygotes.

Submissions (2):

Labcorp Genetics (formerly Invitae), Labcorp
Classification: Uncertain significance for Predisposition to invasive fungal disease due to CARD9 deficiency. Last evaluated: 2025-01-06. Review status: criteria provided, single submitter. Criteria: Invitae Variant Classification Sherloc (09022015). Collection method: clinical testing. Allele origin: germline.
Comment: This sequence change replaces alanine, which is neutral and non-polar, with threonine, which is neutral and polar, at codon 372 of the CARD9 protein (p.Ala372Thr). This variant is present in population databases (rs145574224, gnomAD 0.06%). This variant has not been reported in the literature in individuals affected with CARD9-related conditions. ClinVar contains an entry for this variant (Variation ID: 572565). Invitae Evidence Modeling of protein sequence and biophysical properties (such as structural, functional, and spatial information, amino acid conservation, physicochemical variation, residue mobility, and thermodynamic stability) indicates that this missense variant is not expected to disrupt CARD9 protein function with a negative predictive value of 80%. In summary, the available evidence is currently insufficient to determine the role of this variant in disease. Therefore, it has been classified as a Variant of Uncertain Significance.

Fulgent Genetics
Classification: Uncertain significance for Predisposition to invasive fungal disease due to CARD9 deficiency. Last evaluated: 2022-04-14. Review status: criteria provided, single submitter. Criteria: ACMG Guidelines, 2015. Collection method: clinical testing. Allele origin: unknown.